The following is an entry in ClinVar:

NM_000038.6(APC):c.2514A>C (p.Arg838Ser)

Gene: APC (APC regulator of Wnt signaling pathway; plus strand). Cytogenetic location: 5q22.2.
Variant type: single nucleotide variant.
Coding change: c.2514A>C on transcript NM_000038.6 (MANE Select); coding-DNA position 2514, A replaced by C.
Protein change: p.Arg838Ser; replaces arginine 838 with serine.
Molecular consequence: missense variant.
Genome position (GRCh38, 1-based): chr5:112,838,108, A>C. VCF-style: chr5-112838108-A-C. GRCh37 (hg19) VCF-style: chr5-112173805-A-C.
Other names: c.2514A>C (NM_000038.5); c.2514A>C, p.Arg838Ser (NM_001127510.3, NM_001354895.2); c.2460A>C, p.Arg820Ser (NM_001127511.3); c.2568A>C, p.Arg856Ser (NM_001354896.2); c.2544A>C, p.Arg848Ser (NM_001354897.2); c.2439A>C, p.Arg813Ser (NM_001354898.2); c.2430A>C, p.Arg810Ser (NM_001354899.2); c.2391A>C, p.Arg797Ser (NM_001354900.2); and 6 more; short protein forms R555S, R678S, R712S, R737S, R747S, R779S, R797S, R810S.
Identifiers: ClinVar variation 1010485 (VCV001010485.12), dbSNP rs1765201302, ClinGen allele CA16026837.
Genomic context (GRCh38, chr5:112,838,108, plus strand): 5'-CATGACTGTCCTTTCACCATATTTGAATACTACAGTGTTACCCAGCTCCTCTTCATCAAG[A>C]GGAAGCTTAGATAGTTCTCGTTCTGAAAAAGATAGAAGTTTGGAGAGAGAACGCGGAATT-3'
Protein context (NP_000029.2, residues 828-848): TTVLPSSSSS[Arg838Ser]GSLDSSRSEK

ClinVar aggregate classification (germline): Uncertain significance. Review status: criteria provided, multiple submitters, no conflicts (2 of 4 stars). 3 submissions from 3 submitters: Uncertain significance (3). Last evaluated 2026-07-01.

Conditions:
Hereditary cancer-predisposing syndrome. Also called: Tumor predisposition; Hereditary Cancer Syndrome; Hereditary neoplastic syndrome; Neoplastic Syndromes, Hereditary. Identifiers: Orphanet 140162, MedGen C0027672, MeSH D009386, MONDO:0015356.
Familial adenomatous polyposis 1 (FAP1). Also called: POLYPOSIS, ADENOMATOUS INTESTINAL; FAMILIAL ADENOMATOUS POLYPOSIS 1, ATTENUATED. Identifiers: MedGen C2713442, MONDO:0021056, OMIM 175100. Disease mechanism: loss of function.
Classic or attenuated familial adenomatous polyposis. Identifiers: MedGen CN372698, MONDO:0021057.

Submissions (3):

Ambry Genetics
Classification: Uncertain significance for Hereditary cancer-predisposing syndrome. Last evaluated: 2026-07-01. Review status: criteria provided, single submitter. Criteria: Ambry Variant Classification Scheme 2023. Collection method: clinical testing. Allele origin: germline.
Comment: The p.R838S variant (also known as c.2514A>C), located in coding exon 15 of the APC gene, results from an A to C substitution at nucleotide position 2514. The arginine at codon 838 is replaced by serine, an amino acid with dissimilar properties. This amino acid position is conserved. In addition, in silico predictors for this gene do not accurately predict pathogenicity. Based on the available evidence, the clinical significance of this variant remains unclear.

All of Us Research Program, National Institutes of Health
Classification: Uncertain significance for Classic or attenuated familial adenomatous polyposis. Last evaluated: 2023-02-10. Review status: criteria provided, single submitter. Criteria: ACMG Guidelines, 2015. Collection method: clinical testing. Allele origin: germline. Inheritance: Autosomal dominant inheritance. Observed: 1 variant allele, 1 heterozygote.
Comment: This study involves interpretation of variants in research participants for the purpose of population health screening. Participant phenotype was not available at the time of variant classification. Additional details can be found in publication PMID: 35346344, PMCID: PMC8962531

Labcorp Genetics (formerly Invitae), Labcorp
Classification: Uncertain significance for Familial adenomatous polyposis 1. Last evaluated: 2022-02-19. Review status: criteria provided, single submitter. Criteria: Invitae Variant Classification Sherloc (09022015). Collection method: clinical testing. Allele origin: germline.
Comment: In summary, the available evidence is currently insufficient to determine the role of this variant in disease. Therefore, it has been classified as a Variant of Uncertain Significance. This sequence change replaces arginine, which is basic and polar, with serine, which is neutral and polar, at codon 838 of the APC protein (p.Arg838Ser). This variant is not present in population databases (gnomAD no frequency). This variant has not been reported in the literature in individuals affected with APC-related conditions. ClinVar contains an entry for this variant (Variation ID: 1010485). Algorithms developed to predict the effect of missense changes on protein structure and function (SIFT, PolyPhen-2, Align-GVGD) all suggest that this variant is likely to be tolerated.